The following is an entry in ClinVar:

ClinVar aggregate classification (germline): Conflicting classifications of pathogenicity. Review status: criteria provided, conflicting classifications (1 of 4 stars). 6 submissions from 6 submitters: Pathogenic (1); Likely pathogenic (4); Uncertain significance (1). Last evaluated 2026-09-24.

Conditions:
EARS2-related disorder. Also called: EARS2-related disorders; EARS2-related condition.
Leukoencephalopathy-thalamus and brainstem anomalies-high lactate syndrome. Also called: Combined oxidative phosphorylation deficiency 12; LEUKOENCEPHALOPATHY WITH THALAMUS AND BRAINSTEM INVOLVEMENT AND HIGH LACTATE. Identifiers: Orphanet 314051, MedGen C4706421, MONDO:0013971, OMIM 614924.

Allele frequency attached by ClinVar (database versions not stated): gnomAD 0.00009; gnomAD exomes 0.00008 and 0.00006; TOPMed 0.00008; ESP Exome Variant Server 0.00016; ExAC 0.00003.
gnomAD v4.1: 124 of 1,614,048 alleles (0.0077%); highest among the groups gnomAD compares: Non-Finnish European, 0.01%; no homozygotes.

Submissions (6):

GeneDx
Classification: Likely pathogenic. Last evaluated: 2026-09-24. Review status: criteria provided, single submitter. Criteria: GeneDx Variant Classification Process June 2021. Collection method: clinical testing. Allele origin: germline.
Comment: Not observed at significant frequency in large population cohorts (gnomAD); In silico analysis supports that this missense variant has a deleterious effect on protein structure/function; This variant is associated with the following publications: (PMID: 23427196, 25476837, 22492562, 33128823, 33972171)

Blueprint Genetics
Classification: Likely pathogenic for EARS2-related disorders. Last evaluated: 2024-03-26. Review status: criteria provided, single submitter. Criteria: ACMG Guidelines, 2015. Collection method: clinical testing. Allele origin: germline. Affected: yes. Observed: 5 variant alleles.

Clinical Genomics Laboratory, Washington University in St. Louis
Classification: Pathogenic for Leukoencephalopathy-thalamus and brainstem anomalies-high lactate syndrome. Last evaluated: 2023-10-23. Review status: criteria provided, single submitter. Criteria: ACMG Guidelines, 2015. Collection method: clinical testing. Allele origin: germline. Affected: yes.
Comment: The EARS2 c.1547G>A (p.Arg516Gln) variant has been reported in two individuals affected with Leukoencephalopathy-Thalamus And Brainstem Anomalies-High Lactate Syndrome (Roux CJ et al., PMID: 33972171; Steenweg ME et al., PMID: 22492562). One patient was compound heterozygous for c.1547G>A and a different pathogenic variant (Steenweg ME et al., PMID: 22492562). The highest population minor allele frequency in the population database genome aggregation database (v.2.1.1) is 0.015% in European-non Finnish population. Another variant affecting codon 516, c.1546C>T (p.Arg516Trp), has been reported as pathogenic in two affected brothers (Sahin S et al., PMID: 27206875). An additional variant affecting codon 516, c.1546C>G (p.Arg516Gly), is reported in ClinVar as a variant of uncertain significance (ClinVar Variation ID: 134876). Computational predictors are uncertain as to the impact of this variant on EARS2 function. This variant has been reported in the ClinVar database as pathogenic, likely pathogenic and as a variant of uncertain significance (ClinVar Variation ID:265109). Based on available information and the ACMG/AMP guidelines for variant interpretation (Richards S et al., PMID: 25741868), this variant is classified as pathogenic.

Women's Health and Genetics/Laboratory Corporation of America, LabCorp
Classification: Uncertain significance. Last evaluated: 2023-05-18. Review status: criteria provided, single submitter. Criteria: LabCorp Variant Classification Summary - May 2015. Collection method: clinical testing. Allele origin: germline.
Comment: Variant summary: EARS2 c.1547G>A (p.Arg516Gln) results in a conservative amino acid change located in the Aminoacyl-tRNA synthetase, class I, anticodon-binding domain (IPR045462) of the encoded protein sequence. Three of five in-silico tools predict a damaging effect of the variant on protein function. The variant allele was found at a frequency of 6.4e-05 in 249576 control chromosomes. The available data on variant occurrences in the general population are insufficient to allow any conclusion about variant significance. c.1547G>A has been reported in the literature in compound heterozygous individuals affected with Leukoencephalopathy-Thalamus And Brainstem Anomalies-High Lactate Syndrome (e.g., Steenweg_2012, Roux_2021). These data indicate that the variant may be associated with disease. To our knowledge, no experimental evidence demonstrating an impact on protein function has been reported. The following publications have been ascertained in the context of this evaluation (PMID: 33128823, 33972171, 22492562). Three clinical diagnostic laboratories have submitted clinical-significance assessments for this variant to ClinVar after 2014 without evidence for independent evaluation and classified the variant as pathogenic (n = 1) or likely pathogenic (n = 2). Additionally, another missense variant affecting the same amino acid, c.1546C>T (p.Arg516Trp), has been reported in the literature in patients affected with Leukoencephalopathy-Thalamus And Brainstem Anomalies-High Lactate Syndrome (PMID: 27206875). Based on the evidence outlined above, the variant was classified as VUS-possibly pathogenic.

Center for Personalized Medicine, Children's Hospital Los Angeles
Classification: Likely pathogenic. Last evaluated: 2022-12-21. Review status: criteria provided, single submitter. Criteria: ACMG Guidelines, 2015. Collection method: clinical testing. Allele origin: unknown. Affected: yes.

Fulgent Genetics
Classification: Likely pathogenic for Leukoencephalopathy-thalamus and brainstem anomalies-high lactate syndrome. Last evaluated: 2022-01-14. Review status: criteria provided, single submitter. Criteria: ACMG Guidelines, 2015. Collection method: clinical testing. Allele origin: unknown.

Literature cited by the submitters: PubMed 33972171 (cited by Women's Health and Genetics/Laboratory Corporation of America, LabCorp); PubMed 22492562 (cited by Women's Health and Genetics/Laboratory Corporation of America, LabCorp); PubMed 33128823 (cited by Women's Health and Genetics/Laboratory Corporation of America, LabCorp).

NM_001083614.2(EARS2):c.1547G>A (p.Arg516Gln)

Gene: EARS2 (glutamyl-tRNA synthetase 2, mitochondrial; minus strand). Cytogenetic location: 16p12.2.
Variant type: single nucleotide variant.
Coding change: c.1547G>A on transcript NM_001083614.2 (MANE Select); coding-DNA position 1547, G replaced by A.
Protein change: p.Arg516Gln; replaces arginine 516 with glutamine.
Molecular consequence: missense variant. On other transcripts: non-coding transcript variant (1).
Genome position (GRCh38, 1-based): chr16:23,524,396, C>T on the plus strand (G>A on the coding strand, the complement: EARS2 is on the minus strand). VCF-style: chr16-23524396-C-T. GRCh37 (hg19) VCF-style: chr16-23535717-C-T.
Other names: short protein forms R516Q.
Identifiers: ClinVar variation 265109 (VCV000265109.9), dbSNP rs201727231, ClinGen allele CA7962247.
Genomic context (GRCh38, chr16:23,524,396, plus strand): 5'-TTAGGGCGATCTCCACTGCCCGAAACATCCTCTCCCTAGCTGGAAACCACCTTCTGGATC[C>T]GTTCCCGTACTTCCTTTGGTCCCAAGGCCAACATCATCTCAGCTACAGGAGGTCCTTGCT-3'
Protein context (NP_001077083.1, residues 506-523): LALGPKEVRE[Arg516Gln]IQKVVSS